The following is an entry in ClinVar:

ClinVar aggregate classification (germline): Uncertain significance (1 of 4 stars; one submission).

Submission:

Labcorp Genetics (formerly Invitae), Labcorp
Classification: Uncertain significance. Last evaluated: 2024-07-11. Review status: criteria provided, single submitter. Criteria: Invitae Variant Classification Sherloc (09022015). Collection method: clinical testing. Allele origin: germline.
Comment: This sequence change replaces arginine, which is basic and polar, with cysteine, which is neutral and slightly polar, at codon 1144 of the CARMIL2 protein (p.Arg1144Cys). This variant is not present in population databases (gnomAD no frequency). This variant has not been reported in the literature in individuals affected with CARMIL2-related conditions. Advanced modeling of protein sequence and biophysical properties (such as structural, functional, and spatial information, amino acid conservation, physicochemical variation, residue mobility, and thermodynamic stability) performed at Invitae indicates that this missense variant is not expected to disrupt CARMIL2 protein function with a negative predictive value of 80%. In summary, the available evidence is currently insufficient to determine the role of this variant in disease. Therefore, it has been classified as a Variant of Uncertain Significance.

NM_001013838.3(CARMIL2):c.3430C>T (p.Arg1144Cys)

Gene: CARMIL2 (capping protein regulator and myosin 1 linker 2; plus strand). Cytogenetic location: 16q22.1.
Variant type: single nucleotide variant.
Coding change: c.3430C>T on transcript NM_001013838.3 (MANE Select); coding-DNA position 3430, C replaced by T.
Protein change: p.Arg1144Cys; replaces arginine 1144 with cysteine.
Molecular consequence: missense variant.
Genome position (GRCh38, 1-based): chr16:67,654,540, C>T. VCF-style: chr16-67654540-C-T. GRCh37 (hg19) VCF-style: chr16-67688443-C-T.
Other names: c.3322C>T, p.Arg1108Cys (NM_001317026.3); short protein forms R1108C, R1144C.
Identifiers: ClinVar variation 3617632 (VCV003617632.2).
Genomic context (GRCh38, chr16:67,654,540, plus strand): 5'-GCTCCCCGAACCCGAAAAACTACATTTGGCGACCTACTGCGGCCGCCAACCCGTCCCAGC[C>T]GTGGTGAGGAGCTTGGTGGGGCTGAGGGGGACACCAGCAGCCCTGACCCTGCCGGCAGGA-3'
Protein context (NP_001013860.1, residues 1134-1154): DLLRPPTRPS[Arg1144Cys]GEELGGAEGD